The following is an entry in ClinVar:

ClinVar aggregate classification (germline): Likely benign. Review status: criteria provided, multiple submitters, no conflicts (2 of 4 stars). 2 submissions from 2 submitters: Likely benign (2). Last evaluated 2024-07-30.

Allele frequency attached by ClinVar (database versions not stated): TOPMed 0.00003; gnomAD 0.00004; ExAC 0.00005; gnomAD exomes 0.00005; ESP Exome Variant Server 0.00008.

Submissions (2):

Blueprint Genetics
Classification: Likely benign. Last evaluated: 2024-07-30. Review status: criteria provided, single submitter. Criteria: ACMG Guidelines, 2015. Collection method: clinical testing. Allele origin: germline.

CeGaT Center for Human Genetics Tuebingen
Classification: Likely benign. Last evaluated: 2023-04-01. Review status: criteria provided, single submitter. Criteria: CeGaT Center For Human Genetics Tuebingen Variant Classification Criteria Version 2. Collection method: clinical testing. Allele origin: germline. Affected: yes. Observed: 1 variant allele.
Comment: CNPY3: BP4, BP7

NM_006586.5(CNPY3):c.582C>T (p.Cys194=)

Genes: CNPY3 (canopy FGF signaling regulator 3; plus strand), CNPY3-GNMT (CNPY3-GNMT readthrough; plus strand). Cytogenetic location: 6p21.1.
Variant type: single nucleotide variant.
Coding change: c.582C>T on transcript NM_006586.5 (MANE Select); coding-DNA position 582, C replaced by T.
Protein change: p.Cys194=; no amino-acid change (cysteine 194 retained).
Molecular consequence: synonymous variant. On other transcripts: non-coding transcript variant (4), intron variant (3).
Genome position (GRCh38, 1-based): chr6:42,938,176, C>T. VCF-style: chr6-42938176-C-T. GRCh37 (hg19) VCF-style: chr6-42905914-C-T.
Other names: c.681C>T, p.Cys227= (NM_001318842.1); c.315C>T, p.Cys105= (NM_001318845.1); c.8+8455C>T (NM_001318856.2); c.151+8455C>T (NM_001318857.2, NM_001318858.2).
Identifiers: ClinVar variation 1676017 (VCV001676017.26), dbSNP rs367667963, ClinGen allele CA3810503.
Genomic context (GRCh38, chr6:42,938,176, plus strand): 5'-GGAGGTGATCGAGGACTGGTACAGGAACCACCAGGAGGAAGACCTGACTGAATTCCTCTG[C>T]GCCAACCACGTGCTGAAGGGAAAAGACACCAGTGAGTTTGGGGAAGCAAGGGCAGGCTGG-3'
Protein context (NP_006577.2, residues 184-204): HQEEDLTEFL[Cys194=]ANHVLKGKDT